The following is an entry in ClinVar:

ClinVar aggregate classification (germline): Uncertain significance (1 of 4 stars; one submission).

Conditions:
Arrhythmogenic right ventricular dysplasia 13. Also called: ARRHYTHMOGENIC RIGHT VENTRICULAR CARDIOMYOPATHY 13; Arrhythmogenic right ventricular dysplasia, familial, 13. Identifiers: MedGen C3810138, MONDO:0000908, OMIM 615616.

Submission:

Labcorp Genetics (formerly Invitae), Labcorp
Classification: Uncertain significance for Arrhythmogenic right ventricular dysplasia 13. Last evaluated: 2021-12-17. Review status: criteria provided, single submitter. Criteria: Invitae Variant Classification Sherloc (09022015). Collection method: clinical testing. Allele origin: germline.
Comment: This variant is not present in population databases (gnomAD no frequency). In summary, the available evidence is currently insufficient to determine the role of this variant in disease. Therefore, it has been classified as a Variant of Uncertain Significance. Algorithms developed to predict the effect of missense changes on protein structure and function are either unavailable or do not agree on the potential impact of this missense change (SIFT: "Tolerated"; PolyPhen-2: "Possibly Damaging"; Align-GVGD: "Class C0"). This variant has not been reported in the literature in individuals affected with CTNNA3-related conditions. This sequence change replaces threonine, which is neutral and polar, with lysine, which is basic and polar, at codon 393 of the CTNNA3 protein (p.Thr393Lys).

NM_013266.4(CTNNA3):c.1178C>A (p.Thr393Lys)

Gene: CTNNA3 (catenin alpha 3; minus strand). Cytogenetic location: 10q21.3.
Variant type: single nucleotide variant.
Coding change: c.1178C>A on transcript NM_013266.4 (MANE Select); coding-DNA position 1178, C replaced by A.
Protein change: p.Thr393Lys; replaces threonine 393 with lysine.
Molecular consequence: missense variant.
Genome position (GRCh38, 1-based): chr10:66,766,367, G>T on the plus strand (C>A on the coding strand, the complement: CTNNA3 is on the minus strand). VCF-style: chr10-66766367-G-T. GRCh37 (hg19) VCF-style: chr10-68526125-G-T.
Other names: c.1178C>A, p.Thr393Lys (NM_001127384.3); short protein forms T393K.
Identifiers: ClinVar variation 2045757 (VCV002045757.4), dbSNP rs2547545726, ClinGen allele CA377091988.